The following is an entry in ClinVar:

NM_139076.3(ABRAXAS1):c.250G>A (p.Ala84Thr)

Gene: ABRAXAS1 (abraxas 1, BRCA1 A complex subunit; minus strand). Cytogenetic location: 4q21.23.
Variant type: single nucleotide variant.
Coding change: c.250G>A on transcript NM_139076.3 (MANE Select); coding-DNA position 250, G replaced by A.
Protein change: p.Ala84Thr; replaces alanine 84 with threonine.
Molecular consequence: missense variant. On other transcripts: intron variant (1).
Genome position (GRCh38, 1-based): chr4:83,472,254, C>T on the plus strand (G>A on the coding strand, the complement: ABRAXAS1 is on the minus strand). VCF-style: chr4-83472254-C-T. GRCh37 (hg19) VCF-style: chr4-84393407-C-T.
Other names: c.-45-1858G>A (NM_001345962.2); short protein forms A84T.
Identifiers: ClinVar variation 1058808 (VCV001058808.10), dbSNP rs1404975428, ClinGen allele CA357261088.

ClinVar aggregate classification (germline): Uncertain significance. Review status: criteria provided, multiple submitters, no conflicts (2 of 4 stars). 2 submissions from 2 submitters: Uncertain significance (2). Last evaluated 2022-10-17.

gnomAD v4.1: 37 of 1,531,818 alleles (0.0024%); highest among the groups gnomAD compares: Non-Finnish European, 0.003%; no homozygotes.

Submissions (2):

Women's Health and Genetics/Laboratory Corporation of America, LabCorp
Classification: Uncertain significance. Last evaluated: 2022-10-17. Review status: criteria provided, single submitter. Criteria: LabCorp Variant Classification Summary - May 2015. Collection method: clinical testing. Allele origin: germline.

Labcorp Genetics (formerly Invitae), Labcorp
Classification: Uncertain significance. Last evaluated: 2021-06-05. Review status: criteria provided, single submitter. Criteria: Invitae Variant Classification Sherloc (09022015). Collection method: clinical testing. Allele origin: germline.
Comment: In summary, the available evidence is currently insufficient to determine the role of this variant in disease. Therefore, it has been classified as a Variant of Uncertain Significance. Algorithms developed to predict the effect of missense changes on protein structure and function are either unavailable or do not agree on the potential impact of this missense change (SIFT: "Tolerated"; PolyPhen-2: "Probably Damaging"; Align-GVGD: "Class C0"). This sequence change replaces alanine with threonine at codon 84 of the ABRAXAS1 protein (p.Ala84Thr). The alanine residue is moderately conserved and there is a small physicochemical difference between alanine and threonine. This variant is not present in population databases (ExAC no frequency). This variant has not been reported in the literature in individuals with ABRAXAS1-related conditions.